The following is an entry in ClinVar:

ClinVar aggregate classification (germline): Uncertain significance. Review status: criteria provided, multiple submitters, no conflicts (2 of 4 stars). 3 submissions from 3 submitters: Uncertain significance (3). Last evaluated 2025-09-20.

Conditions:
Hereditary cancer-predisposing syndrome. Also called: Neoplastic Syndromes, Hereditary; Hereditary Cancer Syndrome; Hereditary neoplastic syndrome; Tumor predisposition. Identifiers: Orphanet 140162, MedGen C0027672, MeSH D009386, MONDO:0015356.
Oligodontia-cancer predisposition syndrome. Also called: TOOTH AGENESIS-COLORECTAL CANCER SYNDROME. Identifiers: Orphanet 300576, MedGen C1837750, MONDO:0012075, OMIM 608615. Disease mechanism: loss of function.
Colorectal cancer. Also called: Colorectal cancer, somatic; Malignant Colorectal Neoplasm. Identifiers: MedGen C0346629, MONDO:0005575, OMIM 114500.

Allele frequency attached by ClinVar (database versions not stated): ExAC 0.00001; gnomAD 0.00001; gnomAD exomes 0.00001.

Submissions (3):

Labcorp Genetics (formerly Invitae), Labcorp
Classification: Uncertain significance for Oligodontia-cancer predisposition syndrome. Last evaluated: 2025-09-20. Review status: criteria provided, single submitter. Criteria: Invitae Variant Classification Sherloc (09022015). Collection method: clinical testing. Allele origin: germline.
Comment: This sequence change replaces methionine, which is neutral and non-polar, with leucine, which is neutral and non-polar, at codon 189 of the AXIN2 protein (p.Met189Leu). This variant is present in population databases (rs768030934, gnomAD 0.002%). This variant has not been reported in the literature in individuals affected with AXIN2-related conditions. ClinVar contains an entry for this variant (Variation ID: 1438505). Invitae Evidence Modeling of protein sequence and biophysical properties (such as structural, functional, and spatial information, amino acid conservation, physicochemical variation, residue mobility, and thermodynamic stability) indicates that this missense variant is not expected to disrupt AXIN2 protein function with a negative predictive value of 80%. In summary, the available evidence is currently insufficient to determine the role of this variant in disease. Therefore, it has been classified as a Variant of Uncertain Significance.

Ambry Genetics
Classification: Uncertain significance for Hereditary cancer-predisposing syndrome. Last evaluated: 2025-03-07. Review status: criteria provided, single submitter. Criteria: Ambry Variant Classification Scheme 2023. Collection method: clinical testing. Allele origin: germline.

Baylor Genetics
Classification: Uncertain significance for Colorectal cancer. Last evaluated: 2024-01-14. Review status: criteria provided, single submitter. Criteria: ACMG Guidelines, 2015. Collection method: clinical testing. Allele origin: unknown.

NM_004655.4(AXIN2):c.565A>T (p.Met189Leu)

Gene: AXIN2 (axin 2; minus strand). Cytogenetic location: 17q24.1.
Variant type: single nucleotide variant.
Coding change: c.565A>T on transcript NM_004655.4 (MANE Select); coding-DNA position 565, A replaced by T.
Protein change: p.Met189Leu; replaces methionine 189 with leucine.
Molecular consequence: missense variant.
Genome position (GRCh38, 1-based): chr17:65,558,056, T>A on the plus strand (A>T on the coding strand, the complement: AXIN2 is on the minus strand). VCF-style: chr17-65558056-T-A. GRCh37 (hg19) VCF-style: chr17-63554174-T-A.
Other names: c.565A>T, p.Met189Leu (NM_001363813.1); short protein forms M189L.
Identifiers: ClinVar variation 1438505 (VCV001438505.9), dbSNP rs768030934, ClinGen allele CA8719031.
Genomic context (GRCh38, chr17:65,558,056, plus strand): 5'-AAGCTGTGTTTTCTCCCCCACTCCTCACATATTCGAGGTATATATCAGAAGTCAAAAACA[T>A]CTGGTAGGCATTTTCCTCCATCACCGACTGGATCTCGGTCTGCGCCTGGTCAAACATGAT-3'
Protein context (NP_004646.3, residues 179-199): QSVMEENAYQ[Met189Leu]FLTSDIYLEY